The following is an entry in ClinVar:

ClinVar aggregate classification (germline): Likely benign. Review status: criteria provided, multiple submitters, no conflicts (2 of 4 stars). 3 submissions from 3 submitters: Likely benign (2). 1 of the submissions does not count toward it. Last evaluated 2025-07-24.

Conditions:
QRSL1-related disorder. Also called: QRSL1-related condition.

Allele frequency attached by ClinVar (database versions not stated): ExAC 0.00015; 1000 Genomes Project 30x 0.00016; 1000 Genomes Project 0.00020; ESP Exome Variant Server 0.00038; TOPMed 0.00043; gnomAD 0.00044.
gnomAD v4.1: 168 of 1,614,256 alleles (0.01%); highest among the groups gnomAD compares: African/African-American, 0.15%; 1 homozygote.

Submissions (3):

Labcorp Genetics (formerly Invitae), Labcorp
Classification: Likely benign. Last evaluated: 2025-07-24. Review status: criteria provided, single submitter. Criteria: Invitae Variant Classification Sherloc (09022015). Collection method: clinical testing. Allele origin: germline.

Blueprint Genetics
Classification: Likely benign. Last evaluated: 2023-05-16. Review status: criteria provided, single submitter. Criteria: ACMG Guidelines, 2015. Collection method: clinical testing. Allele origin: germline.

PreventionGenetics, part of Exact Sciences
Classification: Likely benign for QRSL1-related condition. Last evaluated: 2019-03-25. Review status: no assertion criteria provided. Collection method: clinical testing. Allele origin: germline. Not counted in ClinVar's aggregate classification.
Comment: This variant is classified as likely benign based on ACMG/AMP sequence variant interpretation guidelines (Richards et al. 2015 PMID: 25741868, with internal and published modifications).

NM_018292.5(QRSL1):c.777T>C (p.His259=)

Gene: QRSL1 (glutaminyl-tRNA amidotransferase subunit QRSL1; plus strand). Cytogenetic location: 6q21.
Variant type: single nucleotide variant.
Coding change: c.777T>C on transcript NM_018292.5 (MANE Select); coding-DNA position 777, T replaced by C.
Protein change: p.His259=; no amino-acid change (histidine 259 retained).
Molecular consequence: synonymous variant.
Genome position (GRCh38, 1-based): chr6:106,652,510, T>C. VCF-style: chr6-106652510-T-C. GRCh37 (hg19) VCF-style: chr6-107100385-T-C.
Other names: c.777T>C (NM_018292.4).
Identifiers: ClinVar variation 2045813 (VCV002045813.7), dbSNP rs142361530, ClinGen allele CA3944855.
Genomic context (GRCh38, chr6:106,652,510, plus strand): 5'-AGTATTGCTCCTTACAGGTGCACTGGCCGGACCTGACCCCAGGGACTCTACCACAGTACA[T>C]GAACCTATTAATAAACCATTCATGCTTCCCAGTTTGGCAGATGTGAGCAAACTATGTATA-3'
Protein context (NP_060762.3, residues 249-269): GPDPRDSTTV[His259=]EPINKPFMLP